The following is an entry in ClinVar:

NM_199355.4(ADAMTS18):c.1897C>T (p.Arg633Cys)

Gene: ADAMTS18 (ADAM metallopeptidase with thrombospondin type 1 motif 18; minus strand). Cytogenetic location: 16q23.1.
Variant type: single nucleotide variant.
Coding change: c.1897C>T on transcript NM_199355.4 (MANE Select); coding-DNA position 1897, C replaced by T.
Protein change: p.Arg633Cys; replaces arginine 633 with cysteine.
Molecular consequence: missense variant.
Genome position (GRCh38, 1-based): chr16:77,326,001, G>A on the plus strand (C>T on the coding strand, the complement: ADAMTS18 is on the minus strand). VCF-style: chr16-77326001-G-A. GRCh37 (hg19) VCF-style: chr16-77359898-G-A.
Other names: c.1381C>T, p.Arg461Cys (NM_001326358.2); c.1897C>T (NM_199355.2); short protein forms R461C, R633C.
Identifiers: ClinVar variation 953231 (VCV000953231.8), dbSNP rs139533163, ClinGen allele CA8181124.

ClinVar aggregate classification (germline): Uncertain significance. Review status: criteria provided, multiple submitters, no conflicts (2 of 4 stars). 3 submissions from 3 submitters: Uncertain significance (3). Last evaluated 2025-12-01.

Conditions:
Inborn genetic diseases. Identifiers: MedGen C0950123, MeSH D030342.

Allele frequency attached by ClinVar (database versions not stated): TOPMed 0.00009; gnomAD 0.00011; gnomAD exomes 0.00016; ExAC 0.00020; ESP Exome Variant Server 0.00023.

Submissions (3):

Labcorp Genetics (formerly Invitae), Labcorp
Classification: Uncertain significance. Last evaluated: 2025-12-01. Review status: criteria provided, single submitter. Criteria: Invitae Variant Classification Sherloc (09022015). Collection method: clinical testing. Allele origin: germline.
Comment: This sequence change replaces arginine, which is basic and polar, with cysteine, which is neutral and slightly polar, at codon 633 of the ADAMTS18 protein (p.Arg633Cys). This variant is present in population databases (rs139533163, gnomAD 0.03%). This variant has not been reported in the literature in individuals affected with ADAMTS18-related conditions. ClinVar contains an entry for this variant (Variation ID: 953231). An algorithm developed to predict the effect of missense changes on protein structure and function (PolyPhen-2) suggests that this variant is likely to be disruptive. In summary, the available evidence is currently insufficient to determine the role of this variant in disease. Therefore, it has been classified as a Variant of Uncertain Significance.

Ambry Genetics
Classification: Uncertain significance for Inborn genetic diseases. Last evaluated: 2025-02-22. Review status: criteria provided, single submitter. Criteria: Ambry Variant Classification Scheme 2023. Collection method: clinical testing. Allele origin: germline.

Blueprint Genetics
Classification: Uncertain significance. Last evaluated: 2024-04-23. Review status: criteria provided, single submitter. Criteria: ACMG Guidelines, 2015. Collection method: clinical testing. Allele origin: germline.